The following is an entry in ClinVar:

NM_000093.5(COL5A1):c.5371-11_*33delinsATGAAGCAAGC

Genes: COL5A1 (collagen type V alpha 1 chain; plus strand), LOC101448202 (uncharacterized LOC101448202; minus strand). Cytogenetic location: 9q34.3.
Variant type: Indel.
Coding change: c.5371-11_*33delinsATGAAGCAAGC on transcript NM_000093.5 (MANE Select); 11 bases into the intron before coding-DNA position 5371 through 33 bases downstream of the stop codon, the reference bases replaced by ATGAAGCAAGC.
Molecular consequence: splice acceptor variant.
Genome position (GRCh38, 1-based): chr9:134,842,146-134,842,336, 191 bases replaced. GRCh37 (hg19): chr9:137,733,992-137,734,182.
Other names: c.5371-11_*33delinsATGAAGCAAGC (NM_001278074.1).
Identifiers: ClinVar variation 3656006 (VCV003656006.2).

ClinVar aggregate classification (germline): Pathogenic (1 of 4 stars; one submission).

Conditions:
Ehlers-Danlos syndrome, classic type, 1 (EDSCL1). Also called: EHLERS-DANLOS SYNDROME, GRAVIS TYPE; EHLERS-DANLOS SYNDROME, SEVERE CLASSIC TYPE; Ehlers-Danlos syndrome, type 1; Ehlers-Danlos Syndrome, Classic Type, COL5A1-Related; EDS I. Identifiers: MedGen C0268335, MONDO:0019567, OMIM 130000.

Submission:

Labcorp Genetics (formerly Invitae), Labcorp
Classification: Pathogenic for Ehlers-Danlos syndrome, classic type, 1. Last evaluated: 2024-06-09. Review status: criteria provided, single submitter. Criteria: Invitae Variant Classification Sherloc (09022015). Collection method: clinical testing. Allele origin: germline.
Comment: This sequence change creates a premature translational stop signal (Splice site) in the COL5A1 gene. While this is not anticipated to result in nonsense mediated decay, it is expected to disrupt the last 48 amino acid(s) of the COL5A1 protein. This variant is not present in population databases (gnomAD no frequency). This variant has not been reported in the literature in individuals affected with COL5A1-related conditions. This variant disrupts a region of the COL5A1 protein in which other variant(s) (p.Cys1835Ser) have been determined to be pathogenic (PMID: 19370768; Invitae). This suggests that this is a clinically significant region of the protein, and that variants that disrupt it are likely to be disease-causing. For these reasons, this variant has been classified as Pathogenic.

Literature cited by the submitters: PubMed 19370768.